The following is an entry in ClinVar:

ClinVar aggregate classification (germline): Uncertain significance. Review status: criteria provided, multiple submitters, no conflicts (2 of 4 stars). 4 submissions from 4 submitters: Uncertain significance (4). Last evaluated 2025-09-08.

Conditions:
Malignant hyperthermia, susceptibility to, 5 (MHS5). Also called: CACNA1S-Related Malignant Hyperthermia Susceptibility. Identifiers: Orphanet 423, MedGen C1866077, MONDO:0011163, OMIM 601887.
Thyrotoxic periodic paralysis, susceptibility to, 1 (TTPP1). Identifiers: Orphanet 79102, MedGen C2749982, MONDO:0008570, OMIM 188580.
Congenital myopathy 18. Also called: DIHYDROPYRIDINE RECEPTOR CONGENITAL MYOPATHY; DHPR CONGENITAL MYOPATHY; Myopathy, congenital, due to dihydropyridine receptor defect. Identifiers: MedGen C5830283, MONDO:0859514, OMIM 620246.
Hypokalemic periodic paralysis, type 1. Also called: HypoPP; Hypokalemic Periodic Paralysis Type 1 (AD). Identifiers: Orphanet 681, MedGen C3714580, MONDO:0042979, OMIM 170400.

gnomAD v4.1: 50 of 1,613,692 alleles (0.0031%); highest among the groups gnomAD compares: Non-Finnish European, 0.0042%; no homozygotes.

Submissions (4):

Color Diagnostics, LLC DBA Color Health
Classification: Uncertain significance for Malignant hyperthermia, susceptibility to, 5. Last evaluated: 2025-09-08. Review status: criteria provided, single submitter. Criteria: ACMG Guidelines, 2015. Collection method: clinical testing. Allele origin: germline.
Comment: This missense variant replaces glycine with glutamic acid at codon 1211 of the CACNA1S protein. Computational prediction suggests that this variant may have deleterious impact on protein structure and function. To our knowledge, functional studies have not been reported for this variant. This variant has not been reported in individuals affected with CACNA1S-related disorders in the literature. This variant has been identified in 3/281696 chromosomes in the general population by the Genome Aggregation Database (gnomAD). The available evidence is insufficient to determine the role of this variant in disease conclusively. Therefore, this variant is classified as a Variant of Uncertain Significance.

Fulgent Genetics
Classification: Uncertain significance for Hypokalemic periodic paralysis, type 1; Thyrotoxic periodic paralysis, susceptibility to, 1; Malignant hyperthermia, susceptibility to, 5; Congenital myopathy 18. Last evaluated: 2024-01-02. Review status: criteria provided, single submitter. Criteria: ACMG Guidelines, 2015. Collection method: clinical testing. Allele origin: germline.

All of Us Research Program, National Institutes of Health
Classification: Uncertain significance for Malignant hyperthermia, susceptibility to, 5. Last evaluated: 2023-11-02. Review status: criteria provided, single submitter. Criteria: ACMG Guidelines, 2015. Collection method: clinical testing. Allele origin: germline. Inheritance: Autosomal dominant inheritance. Observed: 1 variant allele, 1 heterozygote.
Comment: This missense variant replaces glycine with glutamic acid at codon 1211 of the CACNA1S protein. Computational prediction suggests that this variant may have deleterious impact on protein structure and function (internally defined REVEL score threshold >= 0.7, PMID: 27666373). To our knowledge, functional studies have not been reported for this variant. This variant has not been reported in individuals affected with CACNA1S-related disorders in the literature. This variant has been identified in 3/281696 chromosomes in the general population by the Genome Aggregation Database (gnomAD). The available evidence is insufficient to determine the role of this variant in disease conclusively. Therefore, this variant is classified as a Variant of Uncertain Significance.

This study involves interpretation of variants in research participants for the purpose of population health screening. Participant phenotype was not available at the time of variant classification. Additional details can be found in publication PMID: 35346344, PMCID: PMC8962531

Labcorp Genetics (formerly Invitae), Labcorp
Classification: Uncertain significance for Hypokalemic periodic paralysis, type 1; Malignant hyperthermia, susceptibility to, 5. Last evaluated: 2022-07-21. Review status: criteria provided, single submitter. Criteria: Invitae Variant Classification Sherloc (09022015). Collection method: clinical testing. Allele origin: germline.
Comment: This sequence change replaces glycine, which is neutral and non-polar, with glutamic acid, which is acidic and polar, at codon 1211 of the CACNA1S protein (p.Gly1211Glu). This variant is present in population databases (rs758583828, gnomAD 0.002%). This variant has not been reported in the literature in individuals affected with CACNA1S-related conditions. Advanced modeling of protein sequence and biophysical properties (such as structural, functional, and spatial information, amino acid conservation, physicochemical variation, residue mobility, and thermodynamic stability) performed at Invitae indicates that this missense variant is not expected to disrupt CACNA1S protein function. In summary, the available evidence is currently insufficient to determine the role of this variant in disease. Therefore, it has been classified as a Variant of Uncertain Significance.

NM_000069.3(CACNA1S):c.3632G>A (p.Gly1211Glu)

Gene: CACNA1S (calcium voltage-gated channel subunit alpha1 S; minus strand). Cytogenetic location: 1q32.1.
Variant type: single nucleotide variant.
Coding change: c.3632G>A on transcript NM_000069.3 (MANE Select); coding-DNA position 3632, G replaced by A.
Protein change: p.Gly1211Glu; replaces glycine 1211 with glutamic acid.
Molecular consequence: missense variant.
Genome position (GRCh38, 1-based): chr1:201,054,539, C>T on the plus strand (G>A on the coding strand, the complement: CACNA1S is on the minus strand). VCF-style: chr1-201054539-C-T. GRCh37 (hg19) VCF-style: chr1-201023667-C-T.
Other names: short protein forms G1211E.
Identifiers: ClinVar variation 2150039 (VCV002150039.4), dbSNP rs758583828, ClinGen allele CA082679.